The following is an entry in ClinVar:

NM_030957.4(ADAMTS10):c.3221A>G (p.Lys1074Arg)

Gene: ADAMTS10 (ADAM metallopeptidase with thrombospondin type 1 motif 10; minus strand). Cytogenetic location: 19p13.2.
Variant type: single nucleotide variant.
Coding change: c.3221A>G on transcript NM_030957.4 (MANE Select); coding-DNA position 3221, A replaced by G.
Protein change: p.Lys1074Arg; replaces lysine 1074 with arginine.
Molecular consequence: missense variant.
Genome position (GRCh38, 1-based): chr19:8,580,984, T>C on the plus strand (A>G on the coding strand, the complement: ADAMTS10 is on the minus strand). VCF-style: chr19-8580984-T-C. GRCh37 (hg19) VCF-style: chr19-8645868-T-C.
Other names: c.1682A>G, p.Lys561Arg (NM_001282352.2); short protein forms K1074R, K561R.
Identifiers: ClinVar variation 1393213 (VCV001393213.6), dbSNP rs1365557131, ClinGen allele CA403747977.

ClinVar aggregate classification (germline): Uncertain significance (1 of 4 stars; one submission).

Allele frequency attached by ClinVar (database versions not stated): TOPMed 0.00001; gnomAD 0.00002.
gnomAD v4.1: 3 of 1,613,352 alleles (0.00019%); highest among the groups gnomAD compares: Non-Finnish European, 0.00025%; no homozygotes.

Submission:

Labcorp Genetics (formerly Invitae), Labcorp
Classification: Uncertain significance. Last evaluated: 2022-01-17. Review status: criteria provided, single submitter. Criteria: Invitae Variant Classification Sherloc (09022015). Collection method: clinical testing. Allele origin: germline.
Comment: In summary, the available evidence is currently insufficient to determine the role of this variant in disease. Therefore, it has been classified as a Variant of Uncertain Significance. Algorithms developed to predict the effect of missense changes on protein structure and function are either unavailable or do not agree on the potential impact of this missense change (SIFT: "Tolerated"; PolyPhen-2: "Probably Damaging"; Align-GVGD: "Class C0"). This variant has not been reported in the literature in individuals affected with ADAMTS10-related conditions. This variant is present in population databases (no rsID available, gnomAD 0.0008%). This sequence change replaces lysine, which is basic and polar, with arginine, which is basic and polar, at codon 1074 of the ADAMTS10 protein (p.Lys1074Arg).